The following is an entry in ClinVar:

ClinVar aggregate classification (germline): Benign/Likely benign. Review status: criteria provided, multiple submitters, no conflicts (2 of 4 stars). 2 submissions from 2 submitters: Benign (1); Likely benign (1). Last evaluated 2026-04-24.

Conditions:
Colorectal cancer, susceptibility to, 1. Also called: COLORECTAL ADENOMA AND CANCER, SUSCEPTIBILITY TO; COLORECTAL CANCER, SUSCEPTIBILITY TO, ON CHROMOSOME 9. Identifiers: MedGen C1837315, MONDO:0012132, OMIM 608812.

Allele frequency attached by ClinVar (database versions not stated): TOPMed below 0.00001; gnomAD exomes below 0.00001.
gnomAD v4.1: 1 of 1,614,184 alleles (0.000062%); highest among the groups gnomAD compares: Non-Finnish European, 0.000085%; no homozygotes.

Submissions (2):

Myriad Genetics, Inc.
Classification: Benign for Colorectal cancer, susceptibility to, 1. Last evaluated: 2026-04-24. Review status: criteria provided, single submitter. Criteria: Myriad Autosomal Dominant, Autosomal Recessive and X-Linked Classification Criteria (2023). Collection method: clinical testing. Allele origin: unknown.
Comment: This variant is considered benign. This variant is a silent/synonymous amino acid change and it is not expected to impact splicing.

Labcorp Genetics (formerly Invitae), Labcorp
Classification: Likely benign. Last evaluated: 2020-11-05. Review status: criteria provided, single submitter. Criteria: Invitae Variant Classification Sherloc (09022015). Collection method: clinical testing. Allele origin: germline.

NM_024642.5(GALNT12):c.1077C>T (p.Ser359=)

Gene: GALNT12 (polypeptide N-acetylgalactosaminyltransferase 12; plus strand). Cytogenetic location: 9q22.33.
Variant type: single nucleotide variant.
Coding change: c.1077C>T on transcript NM_024642.5 (MANE Select); coding-DNA position 1077, C replaced by T.
Protein change: p.Ser359=; no amino-acid change (serine 359 retained).
Molecular consequence: synonymous variant.
Genome position (GRCh38, 1-based): chr9:98,837,013, C>T. VCF-style: chr9-98837013-C-T. GRCh37 (hg19) VCF-style: chr9-101599295-C-T.
Identifiers: ClinVar variation 1592358 (VCV001592358.9), dbSNP rs1836169271, ClinGen allele CA466425005.